The following is an entry in ClinVar:

NM_001256715.2(DNAAF3):c.820T>C (p.Trp274Arg)

Genes: DNAAF3 (dynein axonemal assembly factor 3; minus strand), DNAAF3-AS1 (DNAAF3 antisense RNA 1; plus strand). Cytogenetic location: 19q13.42.
Variant type: single nucleotide variant.
Coding change: c.820T>C on transcript NM_001256715.2 (MANE Select); coding-DNA position 820, T replaced by C.
Protein change: p.Trp274Arg; replaces tryptophan 274 with arginine.
Molecular consequence: missense variant.
Genome position (GRCh38, 1-based): chr19:55,161,157, A>G on the plus strand (T>C on the coding strand, the complement: DNAAF3 is on the minus strand). VCF-style: chr19-55161157-A-G. GRCh37 (hg19) VCF-style: chr19-55672525-A-G.
Other names: c.1024T>C, p.Trp342Arg (NM_001256714.1); c.658T>C, p.Trp220Arg (NM_001256716.2); c.961T>C, p.Trp321Arg (NM_178837.4); short protein forms W274R, W321R, W220R, W342R.
Identifiers: ClinVar variation 639103 (VCV000639103.6), dbSNP rs749849022, ClinGen allele CA9668039.

ClinVar aggregate classification (germline): Uncertain significance (1 of 4 stars; one submission).

Conditions:
Primary ciliary dyskinesia. Also called: Ciliary dyskinesia. Identifiers: Orphanet 244, MedGen C0008780, MONDO:0016575, HP:0012265.

Allele frequency attached by ClinVar (database versions not stated): gnomAD exomes below 0.00001 and 0.00001; TOPMed below 0.00001; gnomAD 0.00001; ExAC 0.00005.
gnomAD v4.1: 3 of 1,558,318 alleles (0.00019%); highest among the groups gnomAD compares: African/African-American, 0.0014%; no homozygotes.

Submission:

Labcorp Genetics (formerly Invitae), Labcorp
Classification: Uncertain significance for Primary ciliary dyskinesia. Last evaluated: 2021-08-31. Review status: criteria provided, single submitter. Criteria: Invitae Variant Classification Sherloc (09022015). Collection method: clinical testing. Allele origin: germline.
Comment: This sequence change replaces tryptophan with arginine at codon 342 of the DNAAF3 protein (p.Trp342Arg). The tryptophan residue is highly conserved and there is a moderate physicochemical difference between tryptophan and arginine. This variant is present in population databases (rs749849022, ExAC 0.07%). This variant has not been reported in the literature in individuals affected with DNAAF3-related conditions. Algorithms developed to predict the effect of missense changes on protein structure and function are either unavailable or do not agree on the potential impact of this missense change (SIFT: "Deleterious"; PolyPhen-2: "Probably Damaging"; Align-GVGD: "Class C0"). In summary, the available evidence is currently insufficient to determine the role of this variant in disease. Therefore, it has been classified as a Variant of Uncertain Significance.